The following is an entry in ClinVar:

ClinVar aggregate classification (germline): not provided (0 of 4 stars; one submission).

Conditions:
Normal pregnancy. Identifiers: MedGen C0232989.

Submission:

Institute of Molecular and Cell Biology, University of Tartu
No classification provided. Condition: Normal pregnancy. Review status: no classification provided. Collection method: case-control. Allele origin: unknown. Affected: yes. Study: Kasak2014.
Comment: The study aimed to determine the contribution of copy number variants in the genetic etiology of normal and complicated pregnancies. The samples represented (i) maternal blood DNA drawn from healthy pregnant women during 1st or 2nd trimester and (ii) maternal and paternal blood DNA drawn at term pregnancy cases representing normal and complicated gestations (severe preeclampsia, PE; gestational diabetes, GD; small-for-gestational age newborn, SGA; large-for-gestational age newborn, LGA). We performed CNV calling based on genome-wide genotyping dataset (Illumina HumanOmniExpress-24-v1 BeadChip) by applying three algorithms, QuantiSNP, GADA (Genome Alteration Detection Algorithm) and CNstream in parallel. The acquired CNV calls were merged with HD-CNV (Hotspot Detector for Copy Number Variants) program and only the CNVs predicted by at least two programs, were considered in subsequent analysis.

Literature cited by the submitters: PubMed 25666259.

CM000665.1:g.186411076_186494422dup

Gene: KNG1 (kininogen 1; plus strand). Cytogenetic location: 3q27.3.
Variant type: Duplication.
Identifiers: ClinVar variation 156903 (VCV000156903.2).